The following is an entry in ClinVar:

ClinVar aggregate classification (germline): Benign. Review status: criteria provided, multiple submitters, no conflicts (2 of 4 stars). 5 submissions from 5 submitters: Benign (5). Last evaluated 2026-02-02.

Conditions:
Immunodeficiency 105 (IMD105). Also called: Immunodeficiency 105, severe combined. Identifiers: MedGen C5677005, MONDO:0800104, OMIM 619924.
Immunodeficiency 104. Also called: IMMUNODEFICIENCY 104, SEVERE COMBINED; Severe combined immunodeficiency, autosomal recessive, T cell-negative, B cell-positive, NK cell-positive; SCID, AUTOSOMAL RECESSIVE, T CELL-NEGATIVE, B CELL-POSITIVE, NK CELL-POSITIVE; Severe Combined Immune Deficiency, Autosomal Recessive, TCell -Negative, B Cell-Positive, NK Cell-Positive, IL7R-Related. Identifiers: MedGen C5676890, MONDO:0012163, OMIM 608971.

Allele frequency attached by ClinVar (database versions not stated): ESP Exome Variant Server 0.00062; gnomAD 0.00238 and 0.00243; 1000 Genomes Project 0.00379; 1000 Genomes Project 30x 0.00390; TOPMed 0.00510; ExAC 0.00584; gnomAD exomes 0.00787.
gnomAD v4.1: 2,922 of 1,612,734 alleles (0.18%); highest among the groups gnomAD compares: Admixed American, 4.1%; 78 homozygotes.

Submissions (5):

Labcorp Genetics (formerly Invitae), Labcorp
Classification: Benign for Immunodeficiency 104. Last evaluated: 2026-02-02. Review status: criteria provided, single submitter. Criteria: Invitae Variant Classification Sherloc (09022015). Collection method: clinical testing. Allele origin: germline.

Women's Health and Genetics/Laboratory Corporation of America, LabCorp
Classification: Benign. Last evaluated: 2026-01-23. Review status: criteria provided, single submitter. Criteria: LabCorp Variant Classification Summary - May 2015. Collection method: clinical testing. Allele origin: germline.

ARUP Laboratories, Molecular Genetics and Genomics, ARUP Laboratories
Classification: Benign for Immunodeficiency 105. Last evaluated: 2023-08-07. Review status: criteria provided, single submitter. Criteria: ARUP Molecular Germline Variant Investigation Process 2024. Collection method: clinical testing. Allele origin: germline.

GeneDx
Classification: Benign. Last evaluated: 2014-02-28. Review status: criteria provided, single submitter. Criteria: GeneDx Variant Classification (06012015). Collection method: clinical testing. Allele origin: germline. Affected: yes.
Comment: This variant is considered likely benign or benign based on one or more of the following criteria: it is a conservative change, it occurs at a poorly conserved position in the protein, it is predicted to be benign by multiple in silico algorithms, and/or has population frequency not consistent with disease.

Breakthrough Genomics
Classification: Benign. Review status: criteria provided, single submitter. Criteria: ACMG Guidelines, 2015. Collection method: not provided. Allele origin: germline. Inheritance: Autosomal recessive inheritance. Affected: yes.

NM_002838.5(PTPRC):c.3402C>T (p.Pro1134=)

Gene: PTPRC (protein tyrosine phosphatase receptor type C; plus strand). Cytogenetic location: 1q32.1.
Variant type: single nucleotide variant.
Coding change: c.3402C>T on transcript NM_002838.5 (MANE Select); coding-DNA position 3402, C replaced by T.
Protein change: p.Pro1134=; no amino-acid change (proline 1134 retained).
Molecular consequence: synonymous variant.
Genome position (GRCh38, 1-based): chr1:198,752,665, C>T. VCF-style: chr1-198752665-C-T. GRCh37 (hg19) VCF-style: chr1-198721794-C-T.
Other names: p.P1132P:CCC>CCT; c.2919C>T, p.Pro973= (NM_080921.4).
Identifiers: ClinVar variation 138846 (VCV000138846.23), dbSNP rs61757805, ClinGen allele CA292978.
Genomic context (GRCh38, chr1:198,752,665, plus strand): 5'-TCGAACTGTGTACCAGTACCAATATACAAACTGGAGTGTGGAGCAGCTTCCTGCAGAACC[C>T]AAGGAATTAATCTCTATGATTCAGGTCGTCAAACAAAAACTTCCCCAGAAGAATTCCTCT-3'
Protein context (NP_002829.3, residues 1124-1144): NWSVEQLPAE[Pro1134=]KELISMIQVV